The following is an entry in ClinVar:

ClinVar aggregate classification (germline): Uncertain significance (1 of 4 stars; one submission).

Submission:

Labcorp Genetics (formerly Invitae), Labcorp
Classification: Uncertain significance. Last evaluated: 2022-09-07. Review status: criteria provided, single submitter. Criteria: Invitae Variant Classification Sherloc (09022015). Collection method: clinical testing. Allele origin: germline.
Comment: In summary, the available evidence is currently insufficient to determine the role of this variant in disease. Therefore, it has been classified as a Variant of Uncertain Significance. Algorithms developed to predict the effect of sequence changes on RNA splicing suggest that this variant may create or strengthen a splice site. This variant has not been reported in the literature in individuals affected with FAM46A-related conditions. This variant is not present in population databases (gnomAD no frequency). This variant, c.131_132insCGGCGACTTAGGCGG, results in the insertion of 5 amino acid(s) of the FAM46A protein (p.Gly45_Gly46insAspLeuGlyGlyGly), but otherwise preserves the integrity of the reading frame.

NM_017633.3(TENT5A):c.131_132insCGGCGACTTAGGCGG (p.Gly45_Gly46insAspLeuGlyGlyGly)

Gene: TENT5A (terminal nucleotidyltransferase 5A; minus strand). Cytogenetic location: 6q14.1.
Variant type: Insertion.
Coding change: c.131_132insCGGCGACTTAGGCGG on transcript NM_017633.3 (MANE Select); coding-DNA positions 131 to 132, CGGCGACTTAGGCGG inserted.
Protein change: p.Gly45_Gly46insAspLeuGlyGlyGly.
Molecular consequence: inframe insertion.
Genome position: GRCh38 VCF-style: chr6-81752010-A-ACCGCCTAAGTCGCCG. GRCh37 (hg19) VCF-style: chr6-82461727-A-ACCGCCTAAGTCGCCG.
Identifiers: ClinVar variation 2092690 (VCV002092690.4), dbSNP rs1769049299, ClinGen allele CA1091105335.